The following is an entry in ClinVar:

ClinVar aggregate classification (germline): Uncertain significance (1 of 4 stars; one submission).

Conditions:
Hereditary cancer-predisposing syndrome. Also called: Hereditary neoplastic syndrome; Hereditary Cancer Syndrome; Neoplastic Syndromes, Hereditary; Tumor predisposition. Identifiers: Orphanet 140162, MedGen C0027672, MeSH D009386, MONDO:0015356.

gnomAD v4.1: 1 of 1,614,132 alleles (0.000062%); highest among the groups gnomAD compares: Non-Finnish European, 0.000085%; no homozygotes.

Submission:

Ambry Genetics
Classification: Uncertain significance for Hereditary cancer-predisposing syndrome. Last evaluated: 2023-05-08. Review status: criteria provided, single submitter. Criteria: Ambry Variant Classification Scheme 2023. Collection method: clinical testing. Allele origin: germline.
Comment: The p.S550P variant (also known as c.1648T>C), located in coding exon 4 of the MSH6 gene, results from a T to C substitution at nucleotide position 1648. The serine at codon 550 is replaced by proline, an amino acid with similar properties. This amino acid position is conserved. In addition, the in silico prediction for this alteration is inconclusive. Since supporting evidence is limited at this time, the clinical significance of this alteration remains unclear.

NM_000179.3(MSH6):c.1648T>C (p.Ser550Pro)

Gene: MSH6 (mutS homolog 6; plus strand). Cytogenetic location: 2p16.3.
Variant type: single nucleotide variant.
Coding change: c.1648T>C on transcript NM_000179.3 (MANE Select); coding-DNA position 1648, T replaced by C.
Protein change: p.Ser550Pro; replaces serine 550 with proline.
Molecular consequence: missense variant. On other transcripts: non-coding transcript variant (4), intron variant (2).
Genome position (GRCh38, 1-based): chr2:47,799,631, T>C. VCF-style: chr2-47799631-T-C. GRCh37 (hg19) VCF-style: chr2-48026770-T-C.
Other names: c.1123T>C, p.Ser375Pro (NM_001406807.1, NM_001406799.1, NM_001406806.1); c.1648T>C, p.Ser550Pro (NM_001406808.1, NM_001406809.1, NM_001406796.1 and 3 more transcripts); c.742T>C, p.Ser248Pro (NM_001406811.1, NM_001406812.1, NM_001406814.1 and 6 more transcripts); c.1654T>C, p.Ser552Pro (NM_001406813.1); c.1351T>C, p.Ser451Pro (NM_001406818.1, NM_001406819.1, NM_001406820.1 and 10 more transcripts); c.1480T>C, p.Ser494Pro (NM_001406826.1); c.1606+42T>C (NM_001406817.1); c.628-1035T>C (NM_001407362.1); and 3 more; short protein forms S420P, S494P, S524P, S248P, S375P, S552P, S582P, S451P.
Identifiers: ClinVar variation 2567479 (VCV002567479.2), dbSNP rs1558662428, ClinGen allele CA346747265.